The following is an entry in ClinVar:

NM_005918.4(MDH2):c.908T>A (p.Leu303Gln)

Gene: MDH2 (malate dehydrogenase 2; plus strand). Cytogenetic location: 7q11.23.
Variant type: single nucleotide variant.
Coding change: c.908T>A on transcript NM_005918.4 (MANE Select); coding-DNA position 908, T replaced by A.
Protein change: p.Leu303Gln; replaces leucine 303 with glutamine.
Molecular consequence: missense variant.
Genome position (GRCh38, 1-based): chr7:76,066,301, T>A. VCF-style: chr7-76066301-T-A. GRCh37 (hg19) VCF-style: chr7-75695619-T-A.
Other names: c.782T>A, p.Leu261Gln (NM_001282403.2); c.587T>A, p.Leu196Gln (NM_001282404.2); short protein forms L261Q, L196Q, L303Q.
Identifiers: ClinVar variation 3293836 (VCV003293836.1).

ClinVar aggregate classification (germline): Uncertain significance (1 of 4 stars; one submission).

Conditions:
Inborn genetic diseases. Identifiers: MedGen C0950123, MeSH D030342.

Submission:

Ambry Genetics
Classification: Uncertain significance for Inborn genetic diseases. Last evaluated: 2024-05-17. Review status: criteria provided, single submitter. Criteria: Ambry Variant Classification Scheme 2023. Collection method: clinical testing. Allele origin: germline.
Comment: The p.L303Q variant (also known as c.908T>A), located in coding exon 9 of the MDH2 gene, results from a T to A substitution at nucleotide position 908. The leucine at codon 303 is replaced by glutamine, an amino acid with dissimilar properties. This amino acid position is conserved. In addition, this alteration is predicted to be deleterious by in silico analysis. Based on the available evidence, the clinical significance of this variant remains unclear.